The following is an entry in ClinVar:

NC_000007.13:g.(?_117118841)_(117149216_?)dup

Gene: CFTR (CF transmembrane conductance regulator; plus strand). Cytogenetic location: 7q31.2.
Variant type: Duplication.
Identifiers: ClinVar variation 3245685 (VCV003245685.1).

ClinVar aggregate classification (germline): Pathogenic (1 of 4 stars; one submission).

Conditions:
Cystic fibrosis (CF). Also called: MUCOVISCIDOSIS. Identifiers: Orphanet 586, MedGen C0010674, MONDO:0009061, OMIM 219700. Disease mechanism: loss of function.

Submission:

Labcorp Genetics (formerly Invitae), Labcorp
Classification: Pathogenic for Cystic fibrosis. Last evaluated: 2023-12-05. Review status: criteria provided, single submitter. Criteria: Invitae Variant Classification Sherloc (09022015). Collection method: clinical testing. Allele origin: unknown.
Comment: This variant results in a copy number gain of the genomic region encompassing exon(s) 1-3 of the CFTR gene. This region includes the initiator codon of the gene. This copy number gain extends beyond the assayed region for this gene and therefore may encompass additional genes. As the precise location of this event is unknown, it may be in tandem or it may be located elsewhere in the genome. A similar copy number variant has been observed in individual(s) with congenital bilateral absence of the vas deferens and/or cystic fibrosis (PMID: 1879436, 20560922, 28603918, 32951344). In at least one individual the data is consistent with being in trans (on the opposite chromosome) from a pathogenic variant. This variant is also known as CFTRdupProm-3. For these reasons, this variant has been classified as Pathogenic.

Literature cited by the submitters: PubMed 1879436; PubMed 20560922; PubMed 28603918; PubMed 32951344.